The following is an entry in ClinVar:

NM_138711.6(PPARG):c.362A>G (p.Tyr121Cys)

Gene: PPARG (peroxisome proliferator activated receptor gamma; plus strand). Cytogenetic location: 3p25.2.
Variant type: single nucleotide variant.
Coding change: c.362A>G on transcript NM_138711.6 (MANE Select); coding-DNA position 362, A replaced by G.
Protein change: p.Tyr121Cys; replaces tyrosine 121 with cysteine.
Molecular consequence: missense variant. On other transcripts: 5 prime UTR variant (1).
Genome position (GRCh38, 1-based): chr3:12,381,463, A>G. VCF-style: chr3-12381463-A-G. GRCh37 (hg19) VCF-style: chr3-12422962-A-G.
Other names: c.362A>G, p.Tyr121Cys (NM_001330615.4, NM_001354666.3, NM_001354667.3 and 6 more transcripts); c.452A>G, p.Tyr151Cys (NM_001354668.2, NM_001374265.1, NM_015869.5); c.-66A>G (NM_001354669.2); c.368A>G, p.Tyr123Cys (NM_001354670.2, NM_001374266.1); short protein forms Y121C, Y123C, Y151C.
Identifiers: ClinVar variation 1070305 (VCV001070305.19), dbSNP rs1354592503, ClinGen allele CA351618160.

ClinVar aggregate classification (germline): Pathogenic/Likely pathogenic. Review status: criteria provided, multiple submitters, no conflicts (2 of 4 stars). 7 submissions from 7 submitters: Pathogenic (4); Likely pathogenic (3). Last evaluated 2025-12-04.

Conditions:
PPARG-related familial partial lipodystrophy. Also called: LIPODYSTROPHY, FAMILIAL PARTIAL, ASSOCIATED WITH PPARG MUTATIONS. Identifiers: Orphanet 79083, MedGen C1720861, MONDO:0011448, OMIM 604367.
Familial partial lipodystrophy (FPLD). Identifiers: Orphanet 98306, MedGen C0271694, MONDO:0020088.
PPARG-related disorder. Also called: PPARG-related disorders; PPARG-related condition.

Allele frequency attached by ClinVar (database versions not stated): gnomAD 0.00001; gnomAD exomes 0.00001; TOPMed 0.00002.
gnomAD v4.1: 6 of 1,613,484 alleles (0.00037%); highest among the groups gnomAD compares: Admixed American, 0.0033%; no homozygotes.

Submissions (7):

Labcorp Genetics (formerly Invitae), Labcorp
Classification: Pathogenic. Last evaluated: 2025-12-04. Review status: criteria provided, single submitter. Criteria: Invitae Variant Classification Sherloc (09022015). Collection method: clinical testing. Allele origin: germline.
Comment: This sequence change replaces tyrosine, which is neutral and polar, with cysteine, which is neutral and slightly polar, at codon 151 of the PPARG protein (p.Tyr151Cys). This variant is present in population databases (no rsID available, gnomAD no frequency). This missense change has been observed in individuals with familial partial lipodystrophy (PMID: 21479595, 28641778). It has also been observed to segregate with disease in related individuals. ClinVar contains an entry for this variant (Variation ID: 1070305). Invitae Evidence Modeling of protein sequence and biophysical properties (such as structural, functional, and spatial information, amino acid conservation, physicochemical variation, residue mobility, and thermodynamic stability) indicates that this missense variant is expected to disrupt PPARG protein function with a positive predictive value of 95%. Experimental studies have shown that this missense change affects PPARG function (PMID: 21479595). For these reasons, this variant has been classified as Pathogenic.

GeneDx
Classification: Likely pathogenic. Last evaluated: 2025-11-05. Review status: criteria provided, single submitter. Criteria: GeneDx Variant Classification Process June 2021. Collection method: clinical testing. Allele origin: germline. Affected: yes.
Comment: Published functional studies demonstrate loss-of-function with reduced DNA binding and reduced transcriptional activity (PMID: 21479595, 25157153); In silico analysis supports that this missense variant has a deleterious effect on protein structure/function; This variant is associated with the following publications: (PMID: 25157153, 21479595, 35999217, 39352627, 39676812, 29722904, 39171574, 36808247, 32041611, 33832869, 36325899, 36397776, 28641778, 33502018, 34991302, 38821874)

Variantyx, Inc.
Classification: Pathogenic for PPARG-related familial partial lipodystrophy. Last evaluated: 2025-10-28. Review status: criteria provided, single submitter. Criteria: Variantyx Assertion Criteria 2022. Collection method: clinical testing. Allele origin: germline. Inheritance: Autosomal dominant inheritance. Affected: yes.
Comment: This is a nonsynonymous variant in the PPARG gene (OMIM: 601487). Pathogenic variants in this gene have been associated with autosomal dominant familial partial lipodystrophy, type 3. This variant has been reported in several unrelated affected individuals (PMID: 21479595, 28641778) (PS4), and it has been observed to segregate with disease in at least two individuals from two families (PMID: 21479595, 28641778) (PP1_Moderate). Functional studies have shown that this variant alters PPARG protein function (PMID: 21479595) (PS3), and multiple computational algorithms predict a deleterious effect for this variant (REVEL score: 0.979) (PP3). This variant has a 0.0034% maximum allele frequency in non-founder control populations (PM2). Based on the current evidence, this variant is classified as pathogenic for autosomal dominant familial partial lipodystrophy, type 3.

Laboratory for Molecular Medicine, Mass General Brigham Personalized Medicine
Classification: Likely pathogenic for Familial partial lipodystrophy. Last evaluated: 2023-09-06. Review status: criteria provided, single submitter. Criteria: ACMG Guidelines, 2015. Collection method: clinical testing. Allele origin: germline. Inheritance: Autosomal dominant inheritance.
Comment: The p.Tyr121Cys (also known as p.Tyr151Cys) variant in PPARG has been reported in at least 8 individuals with familial partial lipodystrophy and segregated with disease in at least 5 affected individuals from 2 families (Akinci 2017 PMID: 28641778, Eldin 2021 PMID: 33502018, Gutierrez Alvarez 2021 PMID: 34991302, Vasandani 2022 PMID: 36397776, Visser 2011 PMID: 21479595). It has also been identified in 0.013% (2/15272) Latino/Admixed American chromosomes by gnomAD and has been reported in ClinVar (Variation ID 1070305). In vitro functional studies provide some evidence that this variant impacts protein function (Visser 2011 PMID: 21479595); however, these types of assays may not accurately represent biological function. Computational prediction tools and conservation analyses also support that this variant may impact the protein. In summary, although additional studies are required to fully establish its clinical significance, this variant meets criteria to be classified as likely pathogenic for autosomal dominant familial partial lipodystrophy. ACMG/AMP Criteria applied: PS4, PP1_Moderate, PP3, PS3_Supporting.

PreventionGenetics, part of Exact Sciences
Classification: Likely pathogenic for PPARG-related condition. Last evaluated: 2023-04-30. Review status: criteria provided, single submitter. Criteria: ACMG Guidelines, 2015. Collection method: clinical testing. Allele origin: germline.
Comment: The PPARG c.452A>G variant is predicted to result in the amino acid substitution p.Tyr151Cys. This variant has been reported in the heterozygous state in a family with non-obese type 2 diabetes and partial lipodystrophy (Figure 1. Visser et al. 2011. PubMed ID: 21479595). This variant has also been reported in multiple individuals with partial lipodystrophy (Table S2 - Eldin et al. 2021. PubMed ID: 33502018). This variant was also reported in a large cohort study of patients tested for dyslipidemias (Table S3 - Dron et al. 2020. PubMed ID: 32041611). Functional studies suggest that the p.Tyr151Cys variant led to impaired DNA-binding and reduced transcriptional activity (Visser et al. 2011. PubMed ID: 21479595; Majithia et al. 2014. PubMed ID: 25157153). This variant is present in 2 out of 31,388 alleles in gnomAD. This variant is interpreted as likely pathogenic.

New York Genome Center
Classification: Pathogenic for PPARG-related familial partial lipodystrophy; Type 2 diabetes mellitus. Last evaluated: 2022-04-22. Review status: criteria provided, single submitter. Criteria: NYGC Assertion Criteria 2020. Collection method: clinical testing. Allele origin: germline. Affected: yes. Observed: 2 heterozygotes. Clinical features observed: Hypertriglyceridemia (HP:0002155), Hepatic steatosis (HP:0001397), Type 2 diabetes mellitus (HP:0005978), Hyperlipidemia (HP:0003077).
Comment: The c.362A>G variant identified in PPARG has previously been reported in the literature in individuals with familial partial lipodystrophy (FPLD) [PMIDs: 21479595, 28641778, 32041611, 33502018], and it has also been deposited in ClinVar as pathogenic/likely pathogenic [Variation ID: 1070305]. This variant is observed at a very low frequency (~0.002% alternate allele frequency) across the population databases (gnomAD v2.1 and v3.1.2, TOPMed Freeze 8), suggesting it is not a common benign variant in the populations represented in those databases. The predicted p.(Tyr121Cys) variant (also reported as p.(Tyr151Cys)) replaces an evolutionarily conserved tyrosine amino acid with cysteine in the DNA binding domain of the encoded protein [PMIDs: 25154720, 21479595]. In vitro studies on this variant demonstrated reduced DNA-binding capacity and transcriptional activity affecting PPARG function [PMID: 21479595]. In silico predictions are also in favor of deleterious effect of the c.362A>G variant on the encoded transcript [CADD v1.6= 28.7, REVEL= 0.979]. Based on available evidence, this heterozygous c.362A>G (p.(Tyr121Cys)) variant identified in PPARG is reported as Pathogenic.

Blueprint Genetics
Classification: Pathogenic for PPARG-related disorders. Last evaluated: 2020-08-05. Review status: criteria provided, single submitter. Criteria: ACMG Guidelines, 2015. Collection method: clinical testing. Allele origin: germline. Affected: yes. Observed: 2 variant alleles.

Literature cited by the submitters: PubMed 21479595 (cited by 4 submitters); PubMed 28641778 (cited by 4 submitters); PubMed 33502018 (cited by Laboratory for Molecular Medicine, Mass General Brigham Personalized Medicine and New York Genome Center); PubMed 36397776 (cited by Laboratory for Molecular Medicine, Mass General Brigham Personalized Medicine); PubMed 34991302 (cited by Laboratory for Molecular Medicine, Mass General Brigham Personalized Medicine); PubMed 32041611 (cited by New York Genome Center).